The following is an entry in ClinVar:

NM_001197104.2(KMT2A):c.10447G>C (p.Val3483Leu)

Gene: KMT2A (lysine methyltransferase 2A; plus strand). Cytogenetic location: 11q23.3.
Variant type: single nucleotide variant.
Coding change: c.10447G>C on transcript NM_001197104.2 (MANE Select); coding-DNA position 10447, G replaced by C.
Protein change: p.Val3483Leu; replaces valine 3483 with leucine.
Molecular consequence: missense variant.
Genome position (GRCh38, 1-based): chr11:118,506,339, G>C. VCF-style: chr11-118506339-G-C. GRCh37 (hg19) VCF-style: chr11-118377054-G-C.
Other names: c.10537G>C, p.Val3513Leu (NM_001412597.1); c.10438G>C, p.Val3480Leu (NM_005933.4); short protein forms V3483L, V3513L, V3480L.
Identifiers: ClinVar variation 2000983 (VCV002000983.4), dbSNP rs1950582640, ClinGen allele CA382825833.

ClinVar aggregate classification (germline): Uncertain significance (1 of 4 stars; one submission).

Allele frequency attached by ClinVar (database versions not stated): TOPMed below 0.00001; gnomAD 0.00001; gnomAD exomes 0.00001.
gnomAD v4.1: 14 of 1,614,000 alleles (0.00087%); highest among the groups gnomAD compares: South Asian, 0.0022%; no homozygotes.

Submission:

Labcorp Genetics (formerly Invitae), Labcorp
Classification: Uncertain significance. Last evaluated: 2023-04-28. Review status: criteria provided, single submitter. Criteria: Invitae Variant Classification Sherloc (09022015). Collection method: clinical testing. Allele origin: germline.
Comment: This variant has not been reported in the literature in individuals affected with KMT2A-related conditions. Advanced modeling of protein sequence and biophysical properties (such as structural, functional, and spatial information, amino acid conservation, physicochemical variation, residue mobility, and thermodynamic stability) performed at Invitae indicates that this missense variant is not expected to disrupt KMT2A protein function. ClinVar contains an entry for this variant (Variation ID: 2000983). This variant is not present in population databases (gnomAD no frequency). This sequence change replaces valine, which is neutral and non-polar, with leucine, which is neutral and non-polar, at codon 3483 of the KMT2A protein (p.Val3483Leu). In summary, the available evidence is currently insufficient to determine the role of this variant in disease. Therefore, it has been classified as a Variant of Uncertain Significance.